The following is an entry in ClinVar:

NM_024596.5(MCPH1):c.2417_2418delinsTA (p.Ala806Val)

Genes: MCPH1-AS1 (MCPH1 antisense RNA 1; minus strand), MCPH1 (microcephalin 1; plus strand). Cytogenetic location: 8p23.1.
Variant type: Indel.
Coding change: c.2417_2418delinsTA on transcript NM_024596.5 (MANE Select); coding-DNA positions 2417 to 2418, CC replaced by TA.
Protein change: p.Ala806Val; replaces alanine 806 with valine.
Molecular consequence: missense variant.
Genome position (GRCh38, 1-based): chr8:6,621,656-6,621,657, CC replaced by TA. VCF-style: chr8-6621656-CC-TA. GRCh37 (hg19) VCF-style: chr8-6479177-CC-TA.
Other names: c.2417_2418delinsTA, p.Ala806Val (NM_001322042.2, NM_001363979.1); c.2138_2139delinsTA, p.Ala713Val (NM_001363980.2); short protein forms A713V, A806V.
Identifiers: ClinVar variation 1435238 (VCV001435238.4), dbSNP rs2129580771, ClinGen allele CA2573143093.

ClinVar aggregate classification (germline): Uncertain significance (1 of 4 stars; one submission).

Submission:

Labcorp Genetics (formerly Invitae), Labcorp
Classification: Uncertain significance. Last evaluated: 2024-10-24. Review status: criteria provided, single submitter. Criteria: Invitae Variant Classification Sherloc (09022015). Collection method: clinical testing. Allele origin: germline.
Comment: This sequence change replaces alanine, which is neutral and non-polar, with valine, which is neutral and non-polar, at codon 806 of the MCPH1 protein (p.Ala806Val). This variant is present in population databases (no rsID available, gnomAD 0.01%). This variant has not been reported in the literature in individuals affected with MCPH1-related conditions. ClinVar contains an entry for this variant (Variation ID: 1435238). An algorithm developed to predict the effect of missense changes on protein structure and function (PolyPhen-2) suggests that this variant is likely to be disruptive. In summary, the available evidence is currently insufficient to determine the role of this variant in disease. Therefore, it has been classified as a Variant of Uncertain Significance.